The following is an entry in ClinVar:

ClinVar aggregate classification (germline): Likely pathogenic (1 of 4 stars; one submission).

Conditions:
Glycogen storage disease IXb (GSD9B). Also called: GLYCOGENOSIS OF LIVER AND MUSCLE, AUTOSOMAL RECESSIVE; GSD IXb; PHOSPHORYLASE KINASE DEFICIENCY OF LIVER AND MUSCLE, AUTOSOMAL RECESSIVE. Identifiers: Orphanet 79240, MedGen C0543514, MONDO:0009868, OMIM 261750.

Allele frequency attached by ClinVar (database versions not stated): ExAC 0.00001.

Submission:

Labcorp Genetics (formerly Invitae), Labcorp
Classification: Likely pathogenic for Glycogen storage disease IXb. Last evaluated: 2023-01-20. Review status: criteria provided, single submitter. Criteria: Invitae Variant Classification Sherloc (09022015). Collection method: clinical testing. Allele origin: germline.
Comment: This sequence change affects an acceptor splice site in intron 16 of the PHKB gene. It is expected to disrupt RNA splicing. Variants that disrupt the donor or acceptor splice site typically lead to a loss of protein function (PMID: 16199547), and loss-of-function variants in PHKB are known to be pathogenic (PMID: 9215682, 9326319). This variant is present in population databases (rs754199774, gnomAD 0.0009%). This variant has not been reported in the literature in individuals affected with PHKB-related conditions. Algorithms developed to predict the effect of sequence changes on RNA splicing suggest that this variant may disrupt the consensus splice site. In summary, the currently available evidence indicates that the variant is pathogenic, but additional data are needed to prove that conclusively. Therefore, this variant has been classified as Likely Pathogenic.

Literature cited by the submitters: PubMed 16199547; PubMed 9215682; PubMed 9326319.

NM_000293.3(PHKB):c.1609-2A>C

Gene: PHKB (phosphorylase kinase regulatory subunit beta; plus strand). Cytogenetic location: 16q12.1.
Variant type: single nucleotide variant.
Coding change: c.1609-2A>C on transcript NM_000293.3 (MANE Select); the canonical splice acceptor site of the intron before coding-DNA position 1609, A replaced by C.
Molecular consequence: splice acceptor variant.
Genome position (GRCh38, 1-based): chr16:47,648,531, A>C. VCF-style: chr16-47648531-A-C. GRCh37 (hg19) VCF-style: chr16-47682442-A-C.
Other names: c.1609-2A>C (NM_001363837.1); c.1588-2A>C (NM_001031835.3).
Identifiers: ClinVar variation 3004470 (VCV003004470.3), dbSNP rs754199774, ClinGen allele CA8040908.